The following is an entry in ClinVar:

ClinVar aggregate classification (germline): Uncertain significance (1 of 4 stars; one submission).

Conditions:
Porokeratosis 3, disseminated superficial actinic type (POROK3). Also called: POROKERATOSIS, DISSEMINATED SUPERFICIAL ACTINIC, 1; POROKERATOSIS 3, MIBELLI TYPE; POROKERATOSIS 3, MULTIPLE TYPES. Identifiers: MedGen C1867981, MONDO:0008293, OMIM 175900.
Hyperimmunoglobulin D with periodic fever (HIDS). Also called: HYPERIMMUNOGLOBULINEMIA D AND PERIODIC FEVER SYNDROME; Hyperimmunoglobulinemia D; Hyperimmunoglobulinemia D with periodic fever. Identifiers: Orphanet 343, MedGen C0398691, MONDO:0009849, OMIM 260920.
Mevalonic aciduria (MEVA). Identifiers: Orphanet 29, MedGen C1959626, MONDO:0012481, OMIM 610377.

Allele frequency attached by ClinVar (database versions not stated): gnomAD exomes below 0.00001; ExAC 0.00001.
gnomAD v4.1: 2 of 1,614,204 alleles (0.00012%); highest among the groups gnomAD compares: Non-Finnish European, 0.00017%; no homozygotes.

Submission:

Labcorp Genetics (formerly Invitae), Labcorp
Classification: Uncertain significance for Mevalonic aciduria; Hyperimmunoglobulin D with periodic fever; Porokeratosis 3, disseminated superficial actinic type. Last evaluated: 2022-03-11. Review status: criteria provided, single submitter. Criteria: Invitae Variant Classification Sherloc (09022015). Collection method: clinical testing. Allele origin: germline.
Comment: In summary, the available evidence is currently insufficient to determine the role of this variant in disease. Therefore, it has been classified as a Variant of Uncertain Significance. This sequence change replaces leucine, which is neutral and non-polar, with proline, which is neutral and non-polar, at codon 153 of the MVK protein (p.Leu153Pro). This variant is present in population databases (rs762476313, gnomAD 0.0009%). This variant has not been reported in the literature in individuals affected with MVK-related conditions. Advanced modeling of protein sequence and biophysical properties (such as structural, functional, and spatial information, amino acid conservation, physicochemical variation, residue mobility, and thermodynamic stability) performed at Invitae indicates that this missense variant is expected to disrupt MVK protein function.

NM_000431.4(MVK):c.458T>C (p.Leu153Pro)

Gene: MVK (mevalonate kinase; plus strand). Cytogenetic location: 12q24.11.
Variant type: single nucleotide variant.
Coding change: c.458T>C on transcript NM_000431.4 (MANE Select); coding-DNA position 458, T replaced by C.
Protein change: p.Leu153Pro; replaces leucine 153 with proline.
Molecular consequence: missense variant. On other transcripts: intron variant (1).
Genome position (GRCh38, 1-based): chr12:109,581,481, T>C. VCF-style: chr12-109581481-T-C. GRCh37 (hg19) VCF-style: chr12-110019286-T-C.
Other names: c.458T>C, p.Leu153Pro (NM_001114185.3, NM_001414511.1, NM_001414512.1 and 1 more transcripts); c.-125T>C (NM_001414515.1); c.371+1535T>C (NM_001301182.2); short protein forms L153P.
Identifiers: ClinVar variation 2109314 (VCV002109314.4), dbSNP rs762476313, ClinGen allele CA6779263.